The following is an entry in ClinVar:

NM_000492.4(CFTR):c.522_526del (p.Ile175fs)

Gene: CFTR (CF transmembrane conductance regulator; plus strand). Cytogenetic location: 7q31.2.
Variant type: Deletion.
Coding change: c.522_526del on transcript NM_000492.4 (MANE Select); coding-DNA positions 522 to 526, 5 bases deleted (AATAA; older notation c.522_526delAATAA).
Protein change: p.Ile175fs; shifts the reading frame from isoleucine 175.
Molecular consequence: frameshift variant.
Genome position (GRCh38, 1-based): chr7:117,534,308-117,534,312, AATAA deleted; deleting any 5 consecutive bases within chr7:117,534,304-117,534,312 gives the same sequence; the c. name uses the placement nearest the transcript's 3' end. VCF-style (leftmost placement, unchanged base first): chr7-117534303-GATAAA-G. GRCh37 (hg19) VCF-style: chr7-117174357-GATAAA-G.
Other names: c.522_526delAATAA (NM_000492.3); c.518_522delATAAA (NM_000492.3); short protein forms I175fs.
Identifiers: ClinVar variation 53985 (VCV000053985.2), dbSNP rs397508743, ClinGen allele CA327546.

ClinVar aggregate classification (germline): Likely pathogenic. Review status: criteria provided, single submitter (1 of 4 stars). 2 submissions from 2 submitters: Likely pathogenic (1). 1 of the submissions does not count toward it. Last evaluated 2025-07-23.

Conditions:
CFTR-related disorder (CFTR-RD). Also called: CFTR-related disorders; CFTR-related condition. Identifiers: MedGen C5924204, MONDO:7770004.
Cystic fibrosis (CF). Also called: MUCOVISCIDOSIS. Identifiers: Orphanet 586, MedGen C0010674, MONDO:0009061, OMIM 219700. Disease mechanism: loss of function.

Submissions (2):

Natera, Inc.
Classification: Likely pathogenic for CFTR-related disorders. Last evaluated: 2025-07-23. Review status: criteria provided, single submitter. Criteria: Natera Variant Classification Schema (03/2026). Collection method: clinical testing. Allele origin: germline.
Comment: The c.522_526delAATAA variant in CFTR is a frameshift variant predicted to shift the reading frame beginning at codon 175 and leads to a stop codon 6 codons downstream. This variant is expected to result in nonsense mediated decay, truncation, or a dysfunctional protein product. This variant is rare in the general population with a frequency below the threshold expected for the associated phenotype(s). Given the available evidence, this variant is classified as Likely Pathogenic.

ClinVar Staff, National Center for Biotechnology Information (NCBI)
No classification provided. Condition: CFTR-related disorders. Review status: no classification provided. Collection method: literature only. Allele origin: germline. Affected: yes. Not counted in ClinVar's aggregate classification.

Literature cited by the submitters: PubMed 20059485 (cited by ClinVar Staff, National Center for Biotechnology Information (NCBI)).